The following is an entry in ClinVar:

ClinVar aggregate classification (germline): Uncertain significance (1 of 4 stars; one submission).

Conditions:
Hereditary cancer-predisposing syndrome. Also called: Hereditary Cancer Syndrome; Hereditary neoplastic syndrome; Neoplastic Syndromes, Hereditary; Tumor predisposition. Identifiers: Orphanet 140162, MedGen C0027672, MeSH D009386, MONDO:0015356.

Submission:

Ambry Genetics
Classification: Uncertain significance for Hereditary cancer-predisposing syndrome. Last evaluated: 2023-05-10. Review status: criteria provided, single submitter. Criteria: Ambry Variant Classification Scheme 2023. Collection method: clinical testing. Allele origin: germline.
Comment: The p.Q57H variant (also known as c.171G>C), located in coding exon 1 of the CDKN2A (p14ARF) gene, results from a G to C substitution at nucleotide position 171. The glutamine at codon 57 is replaced by histidine, an amino acid with highly similar properties. This amino acid position is not well conserved in available vertebrate species. In addition, this alteration is predicted to be tolerated by in silico analysis. Since supporting evidence is limited at this time, the clinical significance of this alteration remains unclear.

NM_058195.4(CDKN2A):c.171G>C (p.Gln57His)

Gene: CDKN2A (cyclin dependent kinase inhibitor 2A; minus strand). Cytogenetic location: 9p21.3.
Variant type: single nucleotide variant.
Coding change: c.171G>C on transcript NM_058195.4 (MANE Plus Clinical); coding-DNA position 171, G replaced by C.
Protein change: p.Gln57His; replaces glutamine 57 with histidine.
Molecular consequence: missense variant. On other transcripts: intron variant (1).
Genome position (GRCh38, 1-based): chr9:21,994,161, C>G on the plus strand (G>C on the coding strand, the complement: CDKN2A is on the minus strand). VCF-style: chr9-21994161-C-G. GRCh37 (hg19) VCF-style: chr9-21994160-C-G.
Other names: c.-4+660G>C (NM_001363763.2); short protein forms Q57H.
Identifiers: ClinVar variation 2563901 (VCV002563901.2), dbSNP rs1391696399, ClinGen allele CA373086808.